The following is an entry in ClinVar:

ClinVar aggregate classification (germline): Uncertain significance (1 of 4 stars; one submission).

Conditions:
Cardiovascular phenotype. Identifiers: MedGen CN230736.

Allele frequency attached by ClinVar (database versions not stated): ExAC 0.00001; gnomAD 0.00001; TOPMed 0.00001.
gnomAD v4.1: 1 of 1,614,008 alleles (0.000062%); highest among the groups gnomAD compares: African/African-American, 0.0013%; no homozygotes.

Submission:

Ambry Genetics
Classification: Uncertain significance for Cardiovascular phenotype. Last evaluated: 2022-08-17. Review status: criteria provided, single submitter. Criteria: Ambry Variant Classification Scheme 2023. Collection method: clinical testing. Allele origin: germline.
Comment: The p.D367N variant (also known as c.1099G>A), located in coding exon 7 of the ABCG8 gene, results from a G to A substitution at nucleotide position 1099. The aspartic acid at codon 367 is replaced by asparagine, an amino acid with highly similar properties. This amino acid position is conserved. In addition, this alteration is predicted to be tolerated by in silico analysis. Since supporting evidence is limited at this time, the clinical significance of this alteration remains unclear.

NM_022437.3(ABCG8):c.1099G>A (p.Asp367Asn)

Gene: ABCG8 (ATP binding cassette subfamily G member 8; plus strand). Cytogenetic location: 2p21.
Variant type: single nucleotide variant.
Coding change: c.1099G>A on transcript NM_022437.3 (MANE Select); coding-DNA position 1099, G replaced by A.
Protein change: p.Asp367Asn; replaces aspartic acid 367 with asparagine.
Molecular consequence: missense variant.
Genome position (GRCh38, 1-based): chr2:43,872,110, G>A. VCF-style: chr2-43872110-G-A. GRCh37 (hg19) VCF-style: chr2-44099249-G-A.
Other names: c.1099G>A, p.Asp367Asn (NM_001357321.2); short protein forms D367N.
Identifiers: ClinVar variation 1791568 (VCV001791568.2), dbSNP rs769649113, ClinGen allele CA1637276.
Genomic context (GRCh38, chr2:43,872,110, plus strand): 5'-GCCCTGTTTCTAGAAAAAGTGCGTGACTTAGATGACTTTCTATGGAAAGCAGAGACGAAG[G>A]ATCTTGACGAGGACACCTGTGTGGAAAGGTAAGGTGGCAGGCGACTCTGAGAGGAGAGCT-3'
Protein context (NP_071882.1, residues 357-377): DDFLWKAETK[Asp367Asn]LDEDTCVESS